The following is an entry in ClinVar:

ClinVar aggregate classification (germline): Pathogenic/Likely pathogenic. Review status: criteria provided, multiple submitters, no conflicts (2 of 4 stars). 9 submissions from 9 submitters: Pathogenic (6); Likely pathogenic (3). Last evaluated 2026-01-26.

Conditions:
Hereditary breast ovarian cancer syndrome. Also called: Hereditary breast and/or ovarian cancer syndrome; Hereditary breast and ovarian cancer syndrome; Hereditary breast and ovarian cancer; Hereditary breast and ovarian cancer syndrome (HBOC); Breast and ovarian cancer; BRCA1- and BRCA2-Associated Hereditary Breast and Ovarian Cancer. Identifiers: Orphanet 145, MedGen C0677776, MeSH D061325, MONDO:0003582. Disease mechanism: loss of function.
Hereditary cancer-predisposing syndrome. Also called: Tumor predisposition; Hereditary Cancer Syndrome; Neoplastic Syndromes, Hereditary; Hereditary neoplastic syndrome. Identifiers: Orphanet 140162, MedGen C0027672, MeSH D009386, MONDO:0015356.
CHEK2-related cancer predisposition (TPDS4). Also called: TUMOR PREDISPOSITION SYNDROME 4; CANCER PREDISPOSITION SYNDROME, CHEK2-RELATED; CHEK2-related cancer susceptibility. Identifiers: Orphanet 524, MedGen C5882668, MONDO:0700271, OMIM 609265.
Familial cancer of breast. Also called: Hereditary breast cancer; BREAST CANCER, FAMILIAL; hereditary breast carcinoma. Identifiers: Orphanet 227535, MedGen C0346153, MONDO:0016419, OMIM 114480. Disease mechanism: loss of function.

Submissions (9):

Ambry Genetics
Classification: Pathogenic for Hereditary cancer-predisposing syndrome. Last evaluated: 2026-01-26. Review status: criteria provided, single submitter. Criteria: Ambry Variant Classification Scheme 2023. Collection method: clinical testing. Allele origin: germline.
Comment: The c.1238delT pathogenic mutation (also known as p.L413*), located in coding exon 10 of the CHEK2 gene, results from a deletion of one nucleotide at nucleotide position 1238. This changes the amino acid from a leucine to a stop codon within coding exon 10. This variant is considered to be rare based on population cohorts in the Genome Aggregation Database (gnomAD). This variant is expected to result in loss of function by premature protein truncation or nonsense-mediated mRNA decay. As such, this alteration is interpreted as a disease-causing mutation.

Labcorp Genetics (formerly Invitae), Labcorp
Classification: Pathogenic for Familial cancer of breast. Last evaluated: 2025-11-10. Review status: criteria provided, single submitter. Criteria: Invitae Variant Classification Sherloc (09022015). Collection method: clinical testing. Allele origin: germline.
Comment: This sequence change creates a premature translational stop signal (p.Leu413*) in the CHEK2 gene. It is expected to result in an absent or disrupted protein product. Loss-of-function variants in CHEK2 are known to be pathogenic (PMID: 21876083, 24713400). This variant is not present in population databases (gnomAD no frequency). This premature translational stop signal has been observed in individual(s) with breast cancer (PMID: 31206626). ClinVar contains an entry for this variant (Variation ID: 479550). For these reasons, this variant has been classified as Pathogenic.

ARUP Laboratories, Molecular Genetics and Genomics, ARUP Laboratories
Classification: Pathogenic. Last evaluated: 2024-08-22. Review status: criteria provided, single submitter. Criteria: ARUP Molecular Germline Variant Investigation Process 2024. Collection method: clinical testing. Allele origin: germline.
Comment: The CHEK2 c.1238del; p.Leu413Ter variant (rs765664259; ClinVar ID: 479550) is reported in the literature in several individuals affected with breast cancer (Gomez-Flores-Ramos 2022, Quezada Urban 2018, Weitzel 2019). This variant is absent from the Genome Aggregation Database (v2.1.1), indicating it is not a common polymorphism. This variant induces an early termination codon and is predicted to result in a truncated protein or mRNA subject to nonsense-mediated decay. Based on available information, this variant is considered to be pathogenic. References: Gomez-Flores-Ramos L et al. Germline Variants in Cancer Genes from Young Breast Cancer Mexican Patients. Cancers (Basel). 2022 Mar 24;14(7):1647. PMID: 35406420. Quezada Urban R et al. Comprehensive Analysis of Germline Variants in Mexican Patients with Hereditary Breast and Ovarian Cancer Susceptibility. Cancers (Basel). 2018 Sep 27;10(10):361. PMID: 30262796. Weitzel JN et al. Pathogenic and likely pathogenic variants in PALB2, CHEK2, and other known breast cancer susceptibility genes among 1054 BRCA-negative Hispanics with breast cancer. Cancer. 2019 Aug 15;125(16):2829-2836. PMID: 31206626.

Myriad Genetics, Inc.
Classification: Pathogenic for Familial cancer of breast. Last evaluated: 2023-06-28. Review status: criteria provided, single submitter. Criteria: Myriad Autosomal Dominant, Autosomal Recessive and X-Linked Classification Criteria (2023). Collection method: clinical testing. Allele origin: unknown.
Comment: This variant is considered pathogenic. This variant creates a termination codon and is predicted to result in premature protein truncation.

Women's Health and Genetics/Laboratory Corporation of America, LabCorp
Classification: Likely pathogenic for Hereditary breast ovarian cancer syndrome. Last evaluated: 2023-04-20. Review status: criteria provided, single submitter. Criteria: LabCorp Variant Classification Summary - May 2015. Collection method: clinical testing. Allele origin: germline.
Comment: Variant summary: CHEK2 c.1238delT (p.Leu413X) results in a premature termination codon, predicted to cause a truncation of the encoded protein or absence of the protein due to nonsense mediated decay, which are commonly known mechanisms for disease. Truncations downstream of this position have been classified as pathogenic by our laboratory. The variant was absent in 250208 control chromosomes (gnomAD). c.1238delT has been reported in the literature in individuals affected with Breast Cancer (e.g. Quezada Urban_2018, Weitzel_2019, Gomez-Flores-Ramos_2022). These data indicate that the variant may be associated with disease. To our knowledge, no experimental evidence demonstrating an impact on protein function has been reported. Three ClinVar submitters have assessed the variant since 2014: one classified the variant as likely pathogenic and two as pathogenic. Based on the evidence outlined above, the variant was classified as likely pathogenic.

GeneDx
Classification: Likely pathogenic. Last evaluated: 2022-11-18. Review status: criteria provided, single submitter. Criteria: GeneDx Variant Classification Process June 2021. Collection method: clinical testing. Allele origin: germline. Affected: yes.
Comment: Nonsense variant predicted to result in protein truncation or nonsense mediated decay in a gene for which loss of function is a known mechanism of disease; Not observed at significant frequency in large population cohorts (gnomAD); Observed in an individual with breast cancer (Weitzel et al., 2019); This variant is associated with the following publications: (PMID: 31206626, 29922827)

Quest Diagnostics Nichols Institute San Juan Capistrano
Classification: Pathogenic. Last evaluated: 2022-10-07. Review status: criteria provided, single submitter. Criteria: Quest Diagnostics criteria. Collection method: clinical testing. Allele origin: unknown.
Comment: This frameshift variant alters the translational reading frame of the CHEK2 mRNA and causes the premature termination of CHEK2 protein synthesis. This variant has not been reported in large, multi-ethnic general populations. In the published literature, the variant has been reported in an individual with breast cancer (PMID: 31206626 (2019)). Based on the available information, this variant is classified as pathogenic.

Baylor Genetics
Classification: Likely pathogenic for CHEK2-related cancer predisposition. Last evaluated: 2021-07-13. Review status: criteria provided, single submitter. Criteria: ACMG Guidelines, 2015. Collection method: clinical testing. Allele origin: maternal. Affected: yes. Study: CSER-TexasKidsCanSeq.
Comment: This variant was determined to be likely pathogenic according to ACMG Guidelines, 2015 [PMID:25741868].

Color Diagnostics, LLC DBA Color Health
Classification: Pathogenic for Hereditary cancer-predisposing syndrome. Last evaluated: 2018-03-25. Review status: criteria provided, single submitter. Criteria: ACMG Guidelines, 2015. Collection method: clinical testing. Allele origin: germline.

Literature cited by the submitters: PubMed 21876083 (cited by Labcorp Genetics (formerly Invitae), Labcorp); PubMed 24713400 (cited by Labcorp Genetics (formerly Invitae), Labcorp); PubMed 31206626 (cited by 3 submitters); PubMed 30262796 (cited by Women's Health and Genetics/Laboratory Corporation of America, LabCorp); PubMed 35406420 (cited by Women's Health and Genetics/Laboratory Corporation of America, LabCorp); PubMed 29922827 (cited by Quest Diagnostics Nichols Institute San Juan Capistrano).

NM_007194.4(CHEK2):c.1238del (p.Ser412_Leu413insTer)

Gene: CHEK2 (checkpoint kinase 2; minus strand). Cytogenetic location: 22q12.1.
Variant type: Deletion.
Coding change: c.1238del on transcript NM_007194.4 (MANE Select); coding-DNA position 1238, one base deleted (T; older notation c.1238delT).
Protein change: p.Ser412_Leu413insTer.
Molecular consequence: nonsense. On other transcripts: frameshift variant (4).
Genome position (GRCh38, 1-based): chr22:28,695,731, A deleted on the plus strand (T on the coding strand, the reverse complement: CHEK2 is on the minus strand); the first of 3 consecutive A bases (chr22:28,695,731-28,695,733); deleting any one gives the same sequence. VCF-style (leftmost placement, unchanged base first): chr22-28695730-TA-T. GRCh37 (hg19) VCF-style: chr22-29091718-TA-T.
Other names: c.1365delT, p.Leu456Terfs (NM_001005735.3); c.573delT, p.Leu192Terfs (NM_001257387.3); c.1035delT, p.Leu346Terfs (NM_001349956.3); c.1149delT, p.Leu384Terfs (NM_145862.3).
Identifiers: ClinVar variation 479550 (VCV000479550.15), dbSNP rs765664259, ClinGen allele CA10167705.